The following is an entry in ClinVar:

ClinVar aggregate classification (germline): Likely pathogenic (1 of 4 stars; one submission).

Conditions:
Mitochondrial trifunctional protein deficiency. Identifiers: Orphanet 746, MedGen C1969443, MONDO:0012172.

Submission:

Women's Health and Genetics/Laboratory Corporation of America, LabCorp
Classification: Likely pathogenic for Mitochondrial trifunctional protein deficiency. Last evaluated: 2023-04-19. Review status: criteria provided, single submitter. Criteria: LabCorp Variant Classification Summary - May 2015. Collection method: clinical testing. Allele origin: germline.
Comment: Variant summary: The variant identified by MLPA or other technology involves the deletion of exons 2-3 in the HADHB gene. A presumed nomenclature of c.(-9+1_-8-1)_(109+1_110-1)del has been designated for the purposes of this classification. Although exact breakpoints of this deletion are not known, it is expected to result in a large deletion that removes the initiation codon and is predicted to result either in absence of the protein or truncation of the encoded protein due to translation initiation at a downstream site. An alternative downstream in-frame start codon (p.Met75) is located in exon 5 of the encoded protein. However, start loss variant c.1A>G is classified pathogenic in ClinVar (ID 418241). The variant was absent in 21694 control chromosomes (gnomAD structural variants data set). c.(-9+1_-8-1)_(109+1_110-1)del has been reported in the literature in an individual affected with Mitochondrial Trifunctional Protein Deficiency and authors reported that this occurrence was de novo (example: Boutron_2011). To our knowledge, no experimental evidence demonstrating an impact on protein function has been reported. No clinical diagnostic laboratories have submitted clinical-significance assessments for this variant to ClinVar after 2014. Based on the evidence outlined above, the variant was classified as likely pathogenic.

Literature cited by the submitters: PubMed 21549624.

NC_000002.11:g.(26467859_26477114)_(26477343_26486247)del

Gene: HADHB (hydroxyacyl-CoA dehydrogenase trifunctional multienzyme complex subunit beta; plus strand). Cytogenetic location: 2p23.3.
Variant type: Deletion.
Identifiers: ClinVar variation 2503899 (VCV002503899.1).